The following is an entry in ClinVar:

NM_000059.4(BRCA2):c.9257-276G>A

Gene: BRCA2 (BRCA2 DNA repair associated; plus strand). Cytogenetic location: 13q13.1.
Variant type: single nucleotide variant.
Coding change: c.9257-276G>A on transcript NM_000059.4 (MANE Select); 276 bases into the intron before coding-DNA position 9257, G replaced by A.
Molecular consequence: intron variant.
Genome position (GRCh38, 1-based): chr13:32,394,413, G>A. VCF-style: chr13-32394413-G-A. GRCh37 (hg19) VCF-style: chr13-32968550-G-A.
Other names: IVS 24-276G>A.
Identifiers: ClinVar variation 209908 (VCV000209908.4), dbSNP rs11571815, ClinGen allele CA276876.
Genomic context (GRCh38, chr13:32,394,413, plus strand): 5'-GCAAAGGTAAATGGATATGTGTCTTTGCTAGGTATTGCCAAATTTATCTCCAGAAATCTT[G>A]CACAAATCTGTACTCCTGTTAGCAATGTGTGCGTATACCTGCTTCCACATGACCTCAGTA-3'

ClinVar aggregate classification (germline): Benign. Review status: reviewed by expert panel (3 of 4 stars). 2 submissions from 2 submitters: Benign (1). 1 of the submissions does not count toward it. Last evaluated 2015-01-12.

Conditions:
Breast-ovarian cancer, familial, susceptibility to, 2 (BROVCA2). Also called: BRCA2 Hereditary Breast and Ovarian Cancer. Identifiers: Orphanet 145, MedGen C2675520, MONDO:0012933, OMIM 612555. Disease mechanism: loss of function.

Allele frequency attached by ClinVar (database versions not stated): 1000 Genomes Project 30x 0.00406; 1000 Genomes Project 0.00459; TOPMed 0.00540; gnomAD 0.00586 and 0.00596.
gnomAD v4.1: 920 of 152,292 alleles (0.6%); highest among the groups gnomAD compares: Middle Eastern, 1%; 3 homozygotes.

Submissions (2):

Evidence-based Network for the Interpretation of Germline Mutant Alleles (ENIGMA)
Classification: Benign for Breast-ovarian cancer, familial 2. Last evaluated: 2015-01-12. Review status: reviewed by expert panel. Criteria: ENIGMA BRCA1/2 Classification Criteria (2015). Collection method: curation. Allele origin: germline.
Comment: Class 1 not pathogenic based on frequency >1% in an outbred sampleset. Frequency 0.01055 (European), derived from 1000 genomes (2012-04-30).

GeneDx
Classification: Likely benign. Last evaluated: 2019-02-04. Review status: criteria provided, single submitter. Criteria: GeneDx Variant Classification Process June 2021. Collection method: clinical testing. Allele origin: germline. Affected: yes. Not counted in ClinVar's aggregate classification.